The following is an entry in ClinVar:

ClinVar aggregate classification (germline): Benign (1 of 4 stars; one submission).

Allele frequency attached by ClinVar (database versions not stated): gnomAD exomes 0.00191; 1000 Genomes Project 30x 0.01187; 1000 Genomes Project 0.01238; gnomAD 0.01599 and 0.01748; TOPMed 0.01795.
gnomAD v4.1: 3,503 of 694,522 alleles (0.5%); highest among the groups gnomAD compares: African/African-American, 5.7%; 93 homozygotes.

Submission:

GeneDx
Classification: Benign. Last evaluated: 2018-06-14. Review status: criteria provided, single submitter. Criteria: GeneDx Variant Classification (06012015). Collection method: clinical testing. Allele origin: germline. Affected: yes.
Comment: This variant is considered likely benign or benign based on one or more of the following criteria: it is a conservative change, it occurs at a poorly conserved position in the protein, it is predicted to be benign by multiple in silico algorithms, and/or has population frequency not consistent with disease.

NM_182961.4(SYNE1):c.25789-166A>T

Gene: SYNE1 (spectrin repeat containing nuclear envelope protein 1; minus strand). Cytogenetic location: 6q25.2.
Variant type: single nucleotide variant.
Coding change: c.25789-166A>T on transcript NM_182961.4 (MANE Select); 166 bases into the intron before coding-DNA position 25789, A replaced by T.
Molecular consequence: intron variant.
Genome position (GRCh38, 1-based): chr6:152,133,654, T>A on the plus strand (A>T on the coding strand, the complement: SYNE1 is on the minus strand). VCF-style: chr6-152133654-T-A. GRCh37 (hg19) VCF-style: chr6-152454789-T-A.
Other names: c.25645-166A>T (NM_033071.5); c.2395-166A>T (NM_001347701.2); c.2323-166A>T (NM_001347702.2).
Identifiers: ClinVar variation 674412 (VCV000674412.1), dbSNP rs115499289, ClinGen allele CA150161198.